The following is an entry in ClinVar:

NM_000088.4(COL1A1):c.262G>A (p.Glu88Lys)

Gene: COL1A1 (collagen type I alpha 1 chain; minus strand). Cytogenetic location: 17q21.33.
Variant type: single nucleotide variant.
Coding change: c.262G>A on transcript NM_000088.4 (MANE Select); coding-DNA position 262, G replaced by A.
Protein change: p.Glu88Lys; replaces glutamic acid 88 with lysine.
Molecular consequence: missense variant.
Genome position (GRCh38, 1-based): chr17:50,199,789, C>T on the plus strand (G>A on the coding strand, the complement: COL1A1 is on the minus strand). VCF-style: chr17-50199789-C-T. GRCh37 (hg19) VCF-style: chr17-48277150-C-T.
Other names: short protein forms E88K.
Identifiers: ClinVar variation 4808760 (VCV004808760.2).
Genomic context (GRCh38, chr17:50,199,789, plus strand): 5'-CCCAGGCCCCGAGCGCAGCCGCACCTGAGCCGTCGGGGCAGACGGGACAGCACTCGCCCT[C>T]GGGGACTTCGGCGCCGGGGCAGTTCTTGGTCTCGTCACAGATCACGTCATCGCACAACAC-3'
Protein context (NP_000079.2, residues 78-98): TKNCPGAEVP[Glu88Lys]GECCPVCPDG

ClinVar aggregate classification (germline): Conflicting classifications of pathogenicity. Review status: criteria provided, conflicting classifications (1 of 4 stars). 2 submissions from 2 submitters: Uncertain significance (1); Likely benign (1). Last evaluated 2026-08-04.

Conditions:
Osteogenesis imperfecta type I (OI1). Also called: Classic Non-deforming Osteogenesis Imperfecta with Blue Sclerae; OI, TYPE I; OSTEOGENESIS IMPERFECTA TARDA; OSTEOGENESIS IMPERFECTA WITH BLUE SCLERAE; Osteogenesis imperfecta type 1; Lobstein's Disease. Identifiers: Orphanet 216796, Orphanet 666, MedGen C0023931, MONDO:0008146, OMIM 166200. Disease mechanism: loss of function.
Cardiovascular phenotype. Identifiers: MedGen CN230736.

Submissions (2):

Ambry Genetics
Classification: Likely benign for Cardiovascular phenotype. Last evaluated: 2026-08-04. Review status: criteria provided, single submitter. Criteria: Ambry Variant Classification Scheme 2023. Collection method: clinical testing. Allele origin: germline.

Labcorp Genetics (formerly Invitae), Labcorp
Classification: Uncertain significance for Osteogenesis imperfecta type I. Last evaluated: 2025-06-08. Review status: criteria provided, single submitter. Criteria: Invitae Variant Classification Sherloc (09022015). Collection method: clinical testing. Allele origin: germline.
Comment: This sequence change replaces glutamic acid, which is acidic and polar, with lysine, which is basic and polar, at codon 88 of the COL1A1 protein (p.Glu88Lys). This variant is not present in population databases (gnomAD no frequency). This variant has not been reported in the literature in individuals affected with COL1A1-related conditions. Invitae Evidence Modeling of protein sequence and biophysical properties (such as structural, functional, and spatial information, amino acid conservation, physicochemical variation, residue mobility, and thermodynamic stability) indicates that this missense variant is not expected to disrupt COL1A1 protein function with a negative predictive value of 95%. In summary, the available evidence is currently insufficient to determine the role of this variant in disease. Therefore, it has been classified as a Variant of Uncertain Significance.